The following is an entry in ClinVar:

NM_000179.3(MSH6):c.1377dup (p.Gly460fs)

Gene: MSH6 (mutS homolog 6; plus strand). Cytogenetic location: 2p16.3.
Variant type: Duplication.
Coding change: c.1377dup on transcript NM_000179.3 (MANE Select); coding-DNA position 1377, one base duplicated (T; older notation c.1377dupT).
Protein change: p.Gly460fs; shifts the reading frame from glycine 460.
Molecular consequence: frameshift variant.
Genome position (GRCh38, 1-based): chr2:47,799,360, T duplicated. VCF-style (leftmost placement, unchanged base first): chr2-47799359-C-CT. GRCh37 (hg19) VCF-style: chr2-48026498-C-CT.
Other names: c.987dup, p.Gly330fs (NM_001281492.2); c.471dup, p.Gly158fs (NM_001281493.2, NM_001281494.2); c.1473dup, p.Gly492Trpfs (NM_001406795.1, NM_001406802.1); c.1377dup, p.Gly460Trpfs (NM_001406796.1, NM_001406798.1, NM_001406800.1 and 4 more transcripts); c.1080dup, p.Gly361Trpfs (NM_001406797.1, NM_001406801.1, NM_001406805.1 and 10 more transcripts); c.852dup, p.Gly285Trpfs (NM_001406799.1, NM_001406806.1, NM_001406807.1); c.1299dup, p.Gly434Trpfs (NM_001406804.1); c.471dup, p.Gly158Trpfs (NM_001406811.1, NM_001406812.1, NM_001406814.1 and 4 more transcripts); and 3 more; short protein forms G460fs, G158fs, G330fs.
Identifiers: ClinVar variation 1771193 (VCV001771193.2), dbSNP rs2530606093, ClinGen allele CA2580067578.

ClinVar aggregate classification (germline): Pathogenic (1 of 4 stars; one submission).

Conditions:
Hereditary cancer-predisposing syndrome. Also called: Hereditary Cancer Syndrome; Hereditary neoplastic syndrome; Neoplastic Syndromes, Hereditary; Tumor predisposition. Identifiers: Orphanet 140162, MedGen C0027672, MeSH D009386, MONDO:0015356.

Submission:

Ambry Genetics
Classification: Pathogenic for Hereditary cancer-predisposing syndrome. Last evaluated: 2022-02-28. Review status: criteria provided, single submitter. Criteria: Ambry Variant Classification Scheme 2023. Collection method: clinical testing. Allele origin: germline.
Comment: The c.1377dupT pathogenic mutation, located in coding exon 4 of the MSH6 gene, results from a duplication of T at nucleotide position 1377, causing a translational frameshift with a predicted alternate stop codon (p.G460Wfs*4). This alteration is expected to result in loss of function by premature protein truncation or nonsense-mediated mRNA decay. As such, this alteration is interpreted as a disease-causing mutation.